The following is an entry in ClinVar:

NM_020778.5(ALPK3):c.4085G>A (p.Ser1362Asn)

Gene: ALPK3 (alpha kinase 3; plus strand). Cytogenetic location: 15q25.3.
Variant type: single nucleotide variant.
Coding change: c.4085G>A on transcript NM_020778.5 (MANE Select); coding-DNA position 4085, G replaced by A.
Protein change: p.Ser1362Asn; replaces serine 1362 with asparagine.
Molecular consequence: missense variant.
Genome position (GRCh38, 1-based): chr15:84,859,895, G>A. VCF-style: chr15-84859895-G-A. GRCh37 (hg19) VCF-style: chr15-85403126-G-A.
Other names: short protein forms S1362N.
Identifiers: ClinVar variation 2854142 (VCV002854142.3), dbSNP rs2505724961, ClinGen allele CA393362076.

ClinVar aggregate classification (germline): Uncertain significance (1 of 4 stars; one submission).

Submission:

Labcorp Genetics (formerly Invitae), Labcorp
Classification: Uncertain significance. Last evaluated: 2024-09-02. Review status: criteria provided, single submitter. Criteria: Invitae Variant Classification Sherloc (09022015). Collection method: clinical testing. Allele origin: germline.
Comment: This sequence change replaces serine, which is neutral and polar, with asparagine, which is neutral and polar, at codon 1564 of the ALPK3 protein (p.Ser1564Asn). This variant is not present in population databases (gnomAD no frequency). This variant has not been reported in the literature in individuals affected with ALPK3-related conditions. An algorithm developed to predict the effect of missense changes on protein structure and function (PolyPhen-2) suggests that this variant is likely to be disruptive. In summary, the available evidence is currently insufficient to determine the role of this variant in disease. Therefore, it has been classified as a Variant of Uncertain Significance.